The following is an entry in ClinVar:

ClinVar aggregate classification (germline): Uncertain significance (1 of 4 stars; one submission).

Conditions:
LAMA2-related muscular dystrophy (LAMA2-RD). Also called: Laminin alpha 2-related dystrophy. Identifiers: MedGen C5679788, MONDO:0100228.

gnomAD v4.1: 4 of 1,613,882 alleles (0.00025%); highest among the groups gnomAD compares: Non-Finnish European, 0.00034%; no homozygotes.

Submission:

Labcorp Genetics (formerly Invitae), Labcorp
Classification: Uncertain significance for LAMA2-related muscular dystrophy. Last evaluated: 2021-11-28. Review status: criteria provided, single submitter. Criteria: Invitae Variant Classification Sherloc (09022015). Collection method: clinical testing. Allele origin: germline.
Comment: This sequence change replaces arginine, which is basic and polar, with leucine, which is neutral and non-polar, at codon 1400 of the LAMA2 protein (p.Arg1400Leu). This variant is not present in population databases (gnomAD no frequency). This variant has not been reported in the literature in individuals affected with LAMA2-related conditions. Advanced modeling of protein sequence and biophysical properties (such as structural, functional, and spatial information, amino acid conservation, physicochemical variation, residue mobility, and thermodynamic stability) performed at Invitae indicates that this missense variant is not expected to disrupt LAMA2 protein function. In summary, the available evidence is currently insufficient to determine the role of this variant in disease. Therefore, it has been classified as a Variant of Uncertain Significance.

NM_000426.4(LAMA2):c.4199G>T (p.Arg1400Leu)

Gene: LAMA2 (laminin subunit alpha 2; plus strand). Cytogenetic location: 6q22.33.
Variant type: single nucleotide variant.
Coding change: c.4199G>T on transcript NM_000426.4 (MANE Select); coding-DNA position 4199, G replaced by T.
Protein change: p.Arg1400Leu; replaces arginine 1400 with leucine.
Molecular consequence: missense variant.
Genome position (GRCh38, 1-based): chr6:129,328,300, G>T. VCF-style: chr6-129328300-G-T. GRCh37 (hg19) VCF-style: chr6-129649445-G-T.
Other names: c.4199G>T, p.Arg1400Leu (NM_001079823.2); short protein forms R1400L.
Identifiers: ClinVar variation 1490212 (VCV001490212.3), dbSNP rs760541670, ClinGen allele CA365614160.
Genomic context (GRCh38, chr6:129,328,300, plus strand): 5'-CTAACTTTGCTGTCCTAATTGGCTTCCTTTTCTTTCAGGCATGCTTGCCGGGATTTTATC[G>T]ACTGCGTTCTCAACCAGGTGGCCGCACCCCTGGACCAACCCTGGGCACCTGTGTTCCATG-3'
Protein context (NP_000417.3, residues 1390-1410): SCEACLPGFY[Arg1400Leu]LRSQPGGRTP